The following is an entry in ClinVar:

NM_183075.3(CYP2U1):c.1207A>C (p.Thr403Pro)

Gene: CYP2U1 (cytochrome P450 family 2 subfamily U member 1; plus strand). Cytogenetic location: 4q25.
Variant type: single nucleotide variant.
Coding change: c.1207A>C on transcript NM_183075.3 (MANE Select); coding-DNA position 1207, A replaced by C.
Protein change: p.Thr403Pro; replaces threonine 403 with proline.
Molecular consequence: missense variant.
Genome position (GRCh38, 1-based): chr4:107,947,456, A>C. VCF-style: chr4-107947456-A-C. GRCh37 (hg19) VCF-style: chr4-108868612-A-C.
Other names: short protein forms T403P.
Identifiers: ClinVar variation 2417465 (VCV002417465.3), dbSNP rs2477033844, ClinGen allele CA357838498.
Genomic context (GRCh38, chr4:107,947,456, plus strand): 5'-GAAAGAGTCATTGGCGCCAACCGAGCTCCTTCCCTCACAGACAAGGCCCAGATGCCCTAC[A>C]CAGAAGCCACCATCATGGAAGTGCAGAGGCTAACTGTGGTGGTGCCGCTTGCCATTCCTC-3'
Protein context (NP_898898.1, residues 393-413): SLTDKAQMPY[Thr403Pro]EATIMEVQRL

ClinVar aggregate classification (germline): Uncertain significance (1 of 4 stars; one submission).

Conditions:
Spastic paraplegia. Identifiers: MedGen C0037772, HP:0001258.

Submission:

Labcorp Genetics (formerly Invitae), Labcorp
Classification: Uncertain significance for Spastic paraplegia. Last evaluated: 2022-08-19. Review status: criteria provided, single submitter. Criteria: Invitae Variant Classification Sherloc (09022015). Collection method: clinical testing. Allele origin: germline.
Comment: This sequence change replaces threonine, which is neutral and polar, with proline, which is neutral and non-polar, at codon 403 of the CYP2U1 protein (p.Thr403Pro). This variant is not present in population databases (gnomAD no frequency). This variant has not been reported in the literature in individuals affected with CYP2U1-related conditions. Algorithms developed to predict the effect of missense changes on protein structure and function (SIFT, PolyPhen-2, Align-GVGD) all suggest that this variant is likely to be disruptive. In summary, the available evidence is currently insufficient to determine the role of this variant in disease. Therefore, it has been classified as a Variant of Uncertain Significance.